The following is an entry in ClinVar:

NM_001369.3(DNAH5):c.1628_1629insT (p.Gln543fs)

Gene: DNAH5 (dynein axonemal heavy chain 5; minus strand). Cytogenetic location: 5p15.2.
Variant type: Insertion.
Coding change: c.1628_1629insT on transcript NM_001369.3 (MANE Select); coding-DNA positions 1628 to 1629, T inserted.
Protein change: p.Gln543fs; shifts the reading frame from glutamine 543.
Molecular consequence: frameshift variant.
Genome position: GRCh38 VCF-style: chr5-13911401-C-CA. GRCh37 (hg19) VCF-style: chr5-13911510-C-CA.
Other names: short protein forms Q543fs.
Identifiers: ClinVar variation 5016085 (VCV005016085.1).
Genomic context (GRCh38, chr5:13,911,401, plus strand): 5'-AAATAAACACACGACTGTCAACAGGAATTTTATTATACAACCTACATGAAGGTCATTAGT[C>CA]TGCTTGCAAAACTCTTCGTAATCTTGGTCAAAATCCATTTTCCGCTGGTCTAGGAAATTG-3'

ClinVar aggregate classification (germline): Pathogenic (1 of 4 stars; one submission).

Conditions:
Primary ciliary dyskinesia 3. Identifiers: Orphanet 244, MedGen C1837618, MONDO:0012085, OMIM 608644.

Submission:

Myriad Genetics, Inc.
Classification: Pathogenic for Primary ciliary dyskinesia 3. Last evaluated: 2026-06-28. Review status: criteria provided, single submitter. Criteria: Myriad Autosomal Dominant, Autosomal Recessive and X-Linked Classification Criteria (2023). Collection method: clinical testing. Allele origin: unknown.
Comment: NM_001369.2(DNAH5):c.1628_1629insT(Q543Hfs*3) is expected to be pathogenic in the context of primary ciliary dyskinesia, DNAH5-related. This variant is predicted to lead to an abnormal or absent protein product due to the creation of a premature termination codon in DNAH5, a gene where loss-of-function variants are known to be pathogenic. Please note: this variant was assessed in the context of healthy population screening.